The following is an entry in ClinVar:

NM_198525.3(KIF7):c.1014C>G (p.Asn338Lys)

Gene: KIF7 (kinesin family member 7; minus strand). Cytogenetic location: 15q26.1.
Variant type: single nucleotide variant.
Coding change: c.1014C>G on transcript NM_198525.3 (MANE Select); coding-DNA position 1014, C replaced by G.
Protein change: p.Asn338Lys; replaces asparagine 338 with lysine.
Molecular consequence: missense variant.
Genome position (GRCh38, 1-based): chr15:89,648,684, G>C on the plus strand (C>G on the coding strand, the complement: KIF7 is on the minus strand). VCF-style: chr15-89648684-G-C. GRCh37 (hg19) VCF-style: chr15-90191915-G-C.
Other names: short protein forms N338K.
Identifiers: ClinVar variation 1714005 (VCV001714005.5), dbSNP rs1325314210, ClinGen allele CA393773087.

ClinVar aggregate classification (germline): Uncertain significance (1 of 4 stars; one submission).

Conditions:
Acrocallosal syndrome (ACLS). Also called: Schinzel syndrome 1; Absence of corpus callosum with unusual facial appearance, mental deficiency, duplication of the halluces and polydactyly; HALLUX DUPLICATION, POSTAXIAL POLYDACTYLY, AND ABSENCE OF CORPUS CALLOSUM. Identifiers: Orphanet 36, MedGen C0796147, MONDO:0008708, OMIM 200990.

Submission:

Labcorp Genetics (formerly Invitae), Labcorp
Classification: Uncertain significance for Acrocallosal syndrome. Last evaluated: 2022-08-13. Review status: criteria provided, single submitter. Criteria: Invitae Variant Classification Sherloc (09022015). Collection method: clinical testing. Allele origin: germline.
Comment: In summary, the available evidence is currently insufficient to determine the role of this variant in disease. Therefore, it has been classified as a Variant of Uncertain Significance. Algorithms developed to predict the effect of missense changes on protein structure and function are either unavailable or do not agree on the potential impact of this missense change (SIFT: "Deleterious"; PolyPhen-2: "Possibly Damaging"; Align-GVGD: "Class C0"). This variant has not been reported in the literature in individuals affected with KIF7-related conditions. This variant is not present in population databases (gnomAD no frequency). This sequence change replaces asparagine, which is neutral and polar, with lysine, which is basic and polar, at codon 338 of the KIF7 protein (p.Asn338Lys).